The following is an entry in ClinVar:

ClinVar aggregate classification (germline): Uncertain significance (1 of 4 stars; one submission).

Submission:

GeneDx
Classification: Uncertain significance. Last evaluated: 2022-08-13. Review status: criteria provided, single submitter. Criteria: GeneDx Variant Classification Process June 2021. Collection method: clinical testing. Allele origin: germline. Affected: yes.
Comment: Identified in the heterozygous state in an individual with primary immunodeficiency, but familial segregation information and additional clinical information were not included (Platt et al., 2021); In silico analysis supports that this missense variant has a deleterious effect on protein structure/function; Not observed at significant frequency in large population cohorts (gnomAD); This variant is associated with the following publications: (PMID: 32888943)

NM_005214.5(CTLA4):c.347T>A (p.Ile116Asn)

Gene: CTLA4 (cytotoxic T-lymphocyte associated protein 4; plus strand). Cytogenetic location: 2q33.2.
Variant type: single nucleotide variant.
Coding change: c.347T>A on transcript NM_005214.5 (MANE Select); coding-DNA position 347, T replaced by A.
Protein change: p.Ile116Asn; replaces isoleucine 116 with asparagine.
Molecular consequence: missense variant.
Genome position (GRCh38, 1-based): chr2:203,870,823, T>A. VCF-style: chr2-203870823-T-A. GRCh37 (hg19) VCF-style: chr2-204735546-T-A.
Other names: c.347T>A, p.Ile116Asn (NM_001037631.3); short protein forms I116N.
Identifiers: ClinVar variation 2430678 (VCV002430678.1), dbSNP rs2469719496, ClinGen allele CA350138595.